The following is an entry in ClinVar:

NM_032119.4(ADGRV1):c.2106G>T (p.Val702=)

Gene: ADGRV1 (adhesion G protein-coupled receptor V1; plus strand). Cytogenetic location: 5q14.3.
Variant type: single nucleotide variant.
Coding change: c.2106G>T on transcript NM_032119.4 (MANE Select); coding-DNA position 2106, G replaced by T.
Protein change: p.Val702=; no amino-acid change (valine 702 retained).
Molecular consequence: synonymous variant. On other transcripts: non-coding transcript variant (1).
Genome position (GRCh38, 1-based): chr5:90,637,814, G>T. VCF-style: chr5-90637814-G-T. GRCh37 (hg19) VCF-style: chr5-89933631-G-T.
Other names: c.2106G>T (NM_032119.3).
Identifiers: ClinVar variation 1124890 (VCV001124890.10), dbSNP rs749630454, ClinGen allele CA3338829.

ClinVar aggregate classification (germline): Likely benign. Review status: criteria provided, multiple submitters, no conflicts (2 of 4 stars). 2 submissions from 2 submitters: Likely benign (2). Last evaluated 2025-05-21.

Conditions:
ADGRV1-related disorder. Also called: ADGRV1-related condition; ADGRV1-related disorders.

gnomAD v4.1: 8 of 1,613,534 alleles (0.0005%); highest among the groups gnomAD compares: Admixed American, 0.013%; no homozygotes.

Submissions (2):

PreventionGenetics, part of Exact Sciences
Classification: Likely benign for ADGRV1-related condition. Last evaluated: 2025-05-21. Review status: criteria provided, single submitter. Criteria: ACMG Guidelines, 2015. Collection method: clinical testing. Allele origin: germline.
Comment: This variant is classified as likely benign based on ACMG/AMP sequence variant interpretation guidelines (Richards et al. 2015 PMID: 25741868, with internal and published modifications).

Labcorp Genetics (formerly Invitae), Labcorp
Classification: Likely benign. Last evaluated: 2025-04-22. Review status: criteria provided, single submitter. Criteria: Invitae Variant Classification Sherloc (09022015). Collection method: clinical testing. Allele origin: germline.